The following is an entry in ClinVar:

NM_018124.4(RFWD3):c.181A>G (p.Ile61Val)

Gene: RFWD3 (ring finger and WD repeat domain 3; minus strand). Cytogenetic location: 16q23.1.
Variant type: single nucleotide variant.
Coding change: c.181A>G on transcript NM_018124.4 (MANE Select); coding-DNA position 181, A replaced by G.
Protein change: p.Ile61Val; replaces isoleucine 61 with valine.
Molecular consequence: missense variant. On other transcripts: 5 prime UTR variant (4), intron variant (1).
Genome position (GRCh38, 1-based): chr16:74,661,269, T>C on the plus strand (A>G on the coding strand, the complement: RFWD3 is on the minus strand). VCF-style: chr16-74661269-T-C. GRCh37 (hg19) VCF-style: chr16-74695167-T-C.
Other names: c.181A>G (NM_018124.3); c.181A>G, p.Ile61Val (NM_001370534.1, NM_001370535.1, NM_001370536.1); c.-828A>G (NM_001370537.1); c.-451A>G (NM_001370539.1, NM_001370541.1); c.-705A>G (NM_001370542.1); c.-583A>G (NM_001370543.1); c.-317+3355A>G (NM_001370540.1); short protein forms I61V.
Identifiers: ClinVar variation 2178603 (VCV002178603.5), dbSNP rs1433703349, ClinGen allele CA396764452.
Genomic context (GRCh38, chr16:74,661,269, plus strand): 5'-TCAGGTCAACAGACAGTTGCGGAGCAGGCTGGAGCAGGGGTGGTGTCGCTTGGCTGCTGA[T>C]CACCTCAGCAGGAGCTGGCTGGAGGATGGATGGTACCCCCTGGCTGCTGACCACATCAGC-3'
Protein context (NP_060594.3, residues 51-71): SILQPAPAEV[Ile61Val]SSQATPPLLQ

ClinVar aggregate classification (germline): Conflicting classifications of pathogenicity. Review status: criteria provided, conflicting classifications (1 of 4 stars). 2 submissions from 2 submitters: Uncertain significance (1); Likely benign (1). Last evaluated 2023-12-12.

Allele frequency attached by ClinVar (database versions not stated): gnomAD 0.00001; gnomAD exomes 0.00001; TOPMed 0.00001.
gnomAD v4.1: 15 of 1,613,976 alleles (0.00093%); highest among the groups gnomAD compares: South Asian, 0.0011%; no homozygotes.

Submissions (2):

Ambry Genetics
Classification: Likely benign. Last evaluated: 2023-12-12. Review status: criteria provided, single submitter. Criteria: Ambry Variant Classification Scheme 2023. Collection method: clinical testing. Allele origin: germline.

Labcorp Genetics (formerly Invitae), Labcorp
Classification: Uncertain significance. Last evaluated: 2022-09-17. Review status: criteria provided, single submitter. Criteria: Invitae Variant Classification Sherloc (09022015). Collection method: clinical testing. Allele origin: germline.
Comment: In summary, the available evidence is currently insufficient to determine the role of this variant in disease. Therefore, it has been classified as a Variant of Uncertain Significance. Algorithms developed to predict the effect of missense changes on protein structure and function output the following: SIFT: "Tolerated"; PolyPhen-2: "Benign"; Align-GVGD: "Class C0". The valine amino acid residue is found in multiple mammalian species, which suggests that this missense change does not adversely affect protein function. This variant has not been reported in the literature in individuals affected with RFWD3-related conditions. This variant is present in population databases (no rsID available, gnomAD 0.003%). This sequence change replaces isoleucine, which is neutral and non-polar, with valine, which is neutral and non-polar, at codon 61 of the RFWD3 protein (p.Ile61Val).